The following is an entry in ClinVar:

NM_001085372.3(UQCC3):c.79A>G (p.Ile27Val)

Genes: LBHD1 (LBH domain containing 1; minus strand), UQCC3 (ubiquinol-cytochrome c reductase complex assembly factor 3; plus strand). Cytogenetic location: 11q12.3.
Variant type: single nucleotide variant.
Coding change: c.79A>G on transcript NM_001085372.3 (MANE Select); coding-DNA position 79, A replaced by G.
Protein change: p.Ile27Val; replaces isoleucine 27 with valine.
Molecular consequence: missense variant. On other transcripts: 5 prime UTR variant (12).
Genome position (GRCh38, 1-based): chr11:62,671,824, A>G. VCF-style: chr11-62671824-A-G. GRCh37 (hg19) VCF-style: chr11-62439296-A-G.
Other names: c.-271T>C (NM_001367940.2, NM_024099.5); c.-788T>C (NM_001367941.2); c.-77T>C (NM_001394596.1, NM_001394599.1, NM_001394601.1 and 1 more transcripts); c.-319T>C (NM_001394604.1, NM_001394607.1); c.-464T>C (NM_001394609.1); c.-395T>C (NM_001394611.1); c.-719T>C (NM_001394612.1); short protein forms I27V.
Identifiers: ClinVar variation 4705706 (VCV004705706.1).
Genomic context (GRCh38, chr11:62,671,824, plus strand): 5'-ATGCTGATCTCAGTCGCAATGCTGGGCGCAGGGGCTGGCGTGGGCTACGCGCTCCTCGTT[A>G]TCGTGACCCCGGGAGAGCGGCGGAAGCAGGAAATGCTAAAGGTAGAAGCAACTGGTAGTC-3'
Protein context (NP_001078841.1, residues 17-37): GAGVGYALLV[Ile27Val]VTPGERRKQE

ClinVar aggregate classification (germline): Uncertain significance (1 of 4 stars; one submission).

gnomAD v4.1: 4 of 1,613,968 alleles (0.00025%); highest among the groups gnomAD compares: African/African-American, 0.0053%; no homozygotes.

Submission:

Labcorp Genetics (formerly Invitae), Labcorp
Classification: Uncertain significance. Last evaluated: 2025-11-01. Review status: criteria provided, single submitter. Criteria: Invitae Variant Classification Sherloc (09022015). Collection method: clinical testing. Allele origin: germline.
Comment: This sequence change replaces isoleucine, which is neutral and non-polar, with valine, which is neutral and non-polar, at codon 27 of the UQCC3 protein (p.Ile27Val). This variant is present in population databases (rs757354741, gnomAD 0.007%). This variant has not been reported in the literature in individuals affected with UQCC3-related conditions. An algorithm developed to predict the effect of missense changes on protein structure and function (PolyPhen-2) suggests that this variant is likely to be tolerated. In summary, the available evidence is currently insufficient to determine the role of this variant in disease. Therefore, it has been classified as a Variant of Uncertain Significance.